The following is an entry in ClinVar:

NM_172364.5(CACNA2D4):c.228-6T>G

Gene: CACNA2D4 (calcium voltage-gated channel auxiliary subunit alpha2delta 4; minus strand). Cytogenetic location: 12p13.33.
Variant type: single nucleotide variant.
Coding change: c.228-6T>G on transcript NM_172364.5 (MANE Select); 6 bases into the intron before coding-DNA position 228, T replaced by G.
Molecular consequence: intron variant.
Genome position (GRCh38, 1-based): chr12:1,914,941, A>C on the plus strand (T>G on the coding strand, the complement: CACNA2D4 is on the minus strand). VCF-style: chr12-1914941-A-C. GRCh37 (hg19) VCF-style: chr12-2024107-A-C.
Identifiers: ClinVar variation 4822293 (VCV004822293.4).

ClinVar aggregate classification (germline): Uncertain significance (1 of 4 stars; one submission).

gnomAD v4.1: 2 of 1,605,812 alleles (0.00012%); highest among the groups gnomAD compares: Non-Finnish European, 0.00017%; no homozygotes.

Submission:

CeGaT Center for Human Genetics Tuebingen
Classification: Uncertain significance. Last evaluated: 2026-01-01. Review status: criteria provided, single submitter. Criteria: CeGaT Center For Human Genetics Tuebingen Variant Classification Criteria Version 2. Collection method: clinical testing. Allele origin: germline. Affected: yes. Observed: 1 variant allele.
Comment: CACNA2D4: PM2